The following is an entry in ClinVar:

NM_018723.4(RBFOX1):c.876C>G (p.Ile292Met)

Gene: RBFOX1 (RNA binding fox-1 homolog 1; plus strand). Cytogenetic location: 16p13.3.
Variant type: single nucleotide variant.
Coding change: c.876C>G on transcript NM_018723.4 (MANE Select); coding-DNA position 876, C replaced by G.
Protein change: p.Ile292Met; replaces isoleucine 292 with methionine.
Molecular consequence: missense variant.
Genome position (GRCh38, 1-based): chr16:7,653,933, C>G. VCF-style: chr16-7653933-C-G. GRCh37 (hg19) VCF-style: chr16-7703935-C-G.
Other names: c.795C>G, p.Ile265Met (NM_001142333.2); c.876C>G, p.Ile292Met (NM_001142334.2, NM_001364800.2); c.1005C>G, p.Ile335Met (NM_001308117.1); c.936C>G, p.Ile312Met (NM_145891.3, NM_145892.3, NM_145893.3); short protein forms I335M, I265M, I292M, I312M.
Identifiers: ClinVar variation 1043301 (VCV001043301.9), dbSNP rs997305923, ClinGen allele CA394683722.

ClinVar aggregate classification (germline): Uncertain significance (1 of 4 stars; one submission).

Conditions:
Idiopathic generalized epilepsy. Also called: EIG; Generalised epilepsy. Identifiers: MedGen C0270850, MONDO:0005579, OMIM 600669.

Submission:

Labcorp Genetics (formerly Invitae), Labcorp
Classification: Uncertain significance for Idiopathic generalized epilepsy. Last evaluated: 2020-04-24. Review status: criteria provided, single submitter. Criteria: Invitae Variant Classification Sherloc (09022015). Collection method: clinical testing. Allele origin: germline.
Comment: In summary, the available evidence is currently insufficient to determine the role of this variant in disease. Therefore, it has been classified as a Variant of Uncertain Significance. Algorithms developed to predict the effect of missense changes on protein structure and function (SIFT, PolyPhen-2, Align-GVGD) all suggest that this variant is likely to be tolerated, but these predictions have not been confirmed by published functional studies and their clinical significance is uncertain. This variant has not been reported in the literature in individuals with RBFOX1-related conditions. This variant is not present in population databases (ExAC no frequency). This sequence change replaces isoleucine with methionine at codon 312 of the RBFOX1 protein (p.Ile312Met). The isoleucine residue is moderately conserved and there is a small physicochemical difference between isoleucine and methionine.